The following is an entry in ClinVar:

ClinVar aggregate classification (germline): Likely benign (0 of 4 stars; one submission).

Conditions:
ADAMTSL2-related disorder. Also called: ADAMTSL2-related condition.

Allele frequency attached by ClinVar (database versions not stated): TOPMed 0.00001; gnomAD 0.00003.
gnomAD v4.1: 19 of 1,613,680 alleles (0.0012%); highest among the groups gnomAD compares: Admixed American, 0.005%; no homozygotes.

Submission:

PreventionGenetics, part of Exact Sciences
Classification: Likely benign for ADAMTSL2-related condition. Last evaluated: 2022-06-09. Review status: no assertion criteria provided. Collection method: clinical testing. Allele origin: germline.
Comment: This variant is classified as likely benign based on ACMG/AMP sequence variant interpretation guidelines (Richards et al. 2015 PMID: 25741868, with internal and published modifications).

NM_014694.4(ADAMTSL2):c.489C>T (p.Val163=)

Gene: ADAMTSL2 (ADAMTS like 2; plus strand). Cytogenetic location: 9q34.2.
Variant type: single nucleotide variant.
Coding change: c.489C>T on transcript NM_014694.4 (MANE Select); coding-DNA position 489, C replaced by T.
Protein change: p.Val163=; no amino-acid change (valine 163 retained).
Molecular consequence: synonymous variant.
Genome position (GRCh38, 1-based): chr9:133,540,674, C>T. VCF-style: chr9-133540674-C-T. GRCh37 (hg19) VCF-style: chr9-136405796-C-T.
Other names: c.489C>T, p.Val163= (NM_001145320.2).
Identifiers: ClinVar variation 3054926 (VCV003054926.2), dbSNP rs1285762406, ClinGen allele CA467618079.